The following is an entry in ClinVar:

NM_001291303.3(FAT4):c.587A>T (p.Glu196Val)

Gene: FAT4 (FAT atypical cadherin 4; plus strand). Cytogenetic location: 4q28.1.
Variant type: single nucleotide variant.
Coding change: c.587A>T on transcript NM_001291303.3 (MANE Select); coding-DNA position 587, A replaced by T.
Protein change: p.Glu196Val; replaces glutamic acid 196 with valine.
Molecular consequence: missense variant.
Genome position (GRCh38, 1-based): chr4:125,316,998, A>T. VCF-style: chr4-125316998-A-T. GRCh37 (hg19) VCF-style: chr4-126238153-A-T.
Other names: c.587A>T, p.Glu196Val (NM_001291285.3, NM_024582.6); short protein forms E196V.
Identifiers: ClinVar variation 1956071 (VCV001956071.2), dbSNP rs761691582, ClinGen allele CA3071836.

ClinVar aggregate classification (germline): Uncertain significance (1 of 4 stars; one submission).

Allele frequency attached by ClinVar (database versions not stated): ExAC 0.00001.
gnomAD v4.1: 3 of 1,613,990 alleles (0.00019%); highest among the groups gnomAD compares: Admixed American, 0.005%; no homozygotes.

Submission:

Labcorp Genetics (formerly Invitae), Labcorp
Classification: Uncertain significance. Last evaluated: 2022-05-28. Review status: criteria provided, single submitter. Criteria: Invitae Variant Classification Sherloc (09022015). Collection method: clinical testing. Allele origin: germline.
Comment: This sequence change replaces glutamic acid, which is acidic and polar, with valine, which is neutral and non-polar, at codon 196 of the FAT4 protein (p.Glu196Val). This variant is present in population databases (rs761691582, gnomAD 0.009%). This variant has not been reported in the literature in individuals affected with FAT4-related conditions. Advanced modeling of protein sequence and biophysical properties (such as structural, functional, and spatial information, amino acid conservation, physicochemical variation, residue mobility, and thermodynamic stability) performed at Invitae indicates that this missense variant is not expected to disrupt FAT4 protein function. In summary, the available evidence is currently insufficient to determine the role of this variant in disease. Therefore, it has been classified as a Variant of Uncertain Significance.